The following is an entry in ClinVar:

ClinVar aggregate classification (germline): Uncertain significance (1 of 4 stars; one submission).

Submission:

Labcorp Genetics (formerly Invitae), Labcorp
Classification: Uncertain significance. Last evaluated: 2023-03-20. Review status: criteria provided, single submitter. Criteria: Invitae Variant Classification Sherloc (09022015). Collection method: clinical testing. Allele origin: germline.
Comment: This variant is not present in population databases (gnomAD no frequency). In summary, the available evidence is currently insufficient to determine the role of this variant in disease. Therefore, it has been classified as a Variant of Uncertain Significance. An algorithm developed to predict the effect of missense changes on protein structure and function (PolyPhen-2) suggests that this variant is likely to be tolerated. This variant has not been reported in the literature in individuals affected with MARS2-related conditions. This sequence change replaces arginine, which is basic and polar, with glycine, which is neutral and non-polar, at codon 584 of the MARS2 protein (p.Arg584Gly).

NM_138395.4(MARS2):c.1750A>G (p.Arg584Gly)

Gene: MARS2 (methionyl-tRNA synthetase 2, mitochondrial; plus strand). Cytogenetic location: 2q33.1.
Variant type: single nucleotide variant.
Coding change: c.1750A>G on transcript NM_138395.4 (MANE Select); coding-DNA position 1750, A replaced by G.
Protein change: p.Arg584Gly; replaces arginine 584 with glycine.
Molecular consequence: missense variant.
Genome position (GRCh38, 1-based): chr2:197,707,155, A>G. VCF-style: chr2-197707155-A-G. GRCh37 (hg19) VCF-style: chr2-198571879-A-G.
Other names: short protein forms R584G.
Identifiers: ClinVar variation 2916661 (VCV002916661.3), dbSNP rs2089483702, ClinGen allele CA350216053.